The following is an entry in ClinVar:

ClinVar aggregate classification (germline): Uncertain significance (1 of 4 stars; one submission).

Submission:

GeneDx
Classification: Uncertain significance. Last evaluated: 2023-01-30. Review status: criteria provided, single submitter. Criteria: GeneDx Variant Classification Process June 2021. Collection method: clinical testing. Allele origin: germline. Affected: yes.
Comment: Not observed at significant frequency in large population cohorts (gnomAD); Has not been previously published as pathogenic or benign to our knowledge; In the absence of RNA/functional studies, the actual effect of this sequence change is unknown

NM_001170629.2(CHD8):c.-179T>A

Gene: CHD8 (chromodomain helicase DNA binding protein 8; minus strand). Cytogenetic location: 14q11.2.
Variant type: single nucleotide variant.
Coding change: c.-179T>A on transcript NM_001170629.2 (MANE Select); 179 bases upstream of the start codon, T replaced by A.
Molecular consequence: 5 prime UTR variant.
Genome position (GRCh38, 1-based): chr14:21,431,822, A>T on the plus strand (T>A on the coding strand, the complement: CHD8 is on the minus strand). VCF-style: chr14-21431822-A-T. GRCh37 (hg19) VCF-style: chr14-21899981-A-T.
Other names: c.-6T>A (NM_020920.4).
Identifiers: ClinVar variation 2574553 (VCV002574553.1), dbSNP rs2502018181, ClinGen allele CA2580616556.